The following is an entry in ClinVar:

ClinVar aggregate classification (germline): Uncertain significance (1 of 4 stars; one submission).

Submission:

Labcorp Genetics (formerly Invitae), Labcorp
Classification: Uncertain significance. Last evaluated: 2024-02-05. Review status: criteria provided, single submitter. Criteria: Invitae Variant Classification Sherloc (09022015). Collection method: clinical testing. Allele origin: germline.
Comment: This sequence change falls in intron 24 of the SI gene. It does not directly change the encoded amino acid sequence of the SI protein. It affects a nucleotide within the consensus splice site. This variant is not present in population databases (gnomAD no frequency). This variant has not been reported in the literature in individuals affected with SI-related conditions. ClinVar contains an entry for this variant (Variation ID: 2079773). Variants that disrupt the consensus splice site are a relatively common cause of aberrant splicing (PMID: 17576681, 9536098). Experimental studies and prediction algorithms are not available or were not evaluated, and the effect of this variant on mRNA splicing is currently unknown. In summary, the available evidence is currently insufficient to determine the role of this variant in disease. Therefore, it has been classified as a Variant of Uncertain Significance.

Literature cited by the submitters: PubMed 17576681; PubMed 9536098.

NM_001041.4(SI):c.2736+5_2736+6insTAAAGCCAAAAGCAAACAAGGATTGCTGCAAATTCCACAATGGCACATTGTGAGAAAGGCCAACTGATTTTCAGGATTGGTGACCTGGACCAGGTTAGCTGCTCCAGAGAGTTCCATACAGGCTGGGCCACCCTTGGGGCAACCAGCC

Gene: SI (sucrase-isomaltase; minus strand). Cytogenetic location: 3q26.1.
Variant type: Insertion.
Coding change: c.2736+5_2736+6insTAAAGCCAAAAGCAAACAAGGATTGCTGCAAATTCCACAATGGCACATTGTGAGAAAGGCCAACTGATTTTCAGGATTGGTGACCTGGACCAGGTTAGCTGCTCCAGAGAGTTCCATACAGGCTGGGCCACCCTTGGGGCAACCAGCC on transcript NM_001041.4 (MANE Select); bases 5 to 6 of the intron after coding-DNA position 2736, TAAAGCCAAAAGCAAACAAGGATTGCTGCAAATTCCACAATGGCACATTGTGAGAAAGGCCAACTGATTTTCAGGATTGGTGACCTGGACCAGGTTAGCTGCTCCAGAGAGTTCCATACAGGCTGGGCCACCCTTGGGGCAACCAGCC inserted.
Molecular consequence: intron variant.
Genome position: GRCh38: chr3:165,032,517-165,032,518. GRCh37 (hg19): chr3:164,750,305-164,750,306.
Identifiers: ClinVar variation 2079773 (VCV002079773.4), dbSNP rs2473323257, ClinGen allele CA2580069011.